The following is an entry in ClinVar:

NM_001723.7(DST):c.4823A>G (p.Gln1608Arg)

Gene: DST (dystonin; minus strand). Cytogenetic location: 6p12.1.
Variant type: single nucleotide variant.
Coding change: c.4823A>G on transcript NM_001723.7 (MANE Plus Clinical); coding-DNA position 4823, A replaced by G.
Protein change: p.Gln1608Arg; replaces glutamine 1608 with arginine.
Molecular consequence: missense variant. On other transcripts: intron variant (10).
Genome position (GRCh38, 1-based): chr6:56,619,211, T>C on the plus strand (A>G on the coding strand, the complement: DST is on the minus strand). VCF-style: chr6-56619211-T-C. GRCh37 (hg19) VCF-style: chr6-56484009-T-C.
Other names: c.4831-4727A>G (NM_001144769.5); c.4930-4727A>G (NM_001374722.1, NM_001374736.1); c.4957-4727A>G (NM_001374734.1); c.4417-4727A>G (NM_001144770.2); c.4297-4727A>G (NM_001374730.1, NM_001386100.1, NM_183380.4 and 1 more transcripts); c.3319-4727A>G (NM_015548.5); short protein forms Q1608R.
Identifiers: ClinVar variation 1495607 (VCV001495607.4), dbSNP rs773408995, ClinGen allele CA3870470.
Genomic context (GRCh38, chr6:56,619,211, plus strand): 5'-GTGCTGCGTAGCTGATCTTTAAAACCATCTGCCTGAATTTTCAGTGCTTCACATCTTTGC[T>C]GGATAGTTTGTTTCTCTAAAACTATATTCTCTGATTCTGCCTGAATTCTCTGCATCATTA-3'
Protein context (NP_001714.1, residues 1598-1618): ENIVLEKQTI[Gln1608Arg]QRCEALKIQA

ClinVar aggregate classification (germline): Uncertain significance (1 of 4 stars; one submission).

Conditions:
Epidermolysis bullosa simplex 3, localized or generalized intermediate, with BP230 deficiency (EBS3). Also called: Epidermolysis bullosa simplex due to BP230 deficiency; Epidermolysis bullosa simplex, autosomal recessive 2. Identifiers: Orphanet 412181, MedGen C3809470, MONDO:0014180, OMIM 615425.
Hereditary sensory and autonomic neuropathy type 6. Also called: Neuropathy, hereditary sensory and autonomic, type VI; HSAN VI. Identifiers: Orphanet 314381, MedGen C3539003, MONDO:0013839, OMIM 614653.

Allele frequency attached by ClinVar (database versions not stated): gnomAD exomes below 0.00001; ExAC 0.00001; gnomAD 0.00015; TOPMed 0.00015.
gnomAD v4.1: 23 of 1,613,908 alleles (0.0014%); highest among the groups gnomAD compares: Non-Finnish European, 0.000085%; 1 homozygote.

Submission:

Labcorp Genetics (formerly Invitae), Labcorp
Classification: Uncertain significance for Epidermolysis bullosa simplex 3, localized or generalized intermediate, with BP230 deficiency; Hereditary sensory and autonomic neuropathy type 6. Last evaluated: 2021-05-30. Review status: criteria provided, single submitter. Criteria: Invitae Variant Classification Sherloc (09022015). Collection method: clinical testing. Allele origin: germline.
Comment: In summary, the available evidence is currently insufficient to determine the role of this variant in disease. Therefore, it has been classified as a Variant of Uncertain Significance. Algorithms developed to predict the effect of missense changes on protein structure and function are either unavailable or do not agree on the potential impact of this missense change (SIFT: "Tolerated"; PolyPhen-2: "Probably Damaging"; Align-GVGD: "Class C0"). This variant has not been reported in the literature in individuals with DST-related conditions. This variant is present in population databases (rs773408995, ExAC 0.001%). This sequence change replaces glutamine with arginine at codon 1608 of the DST protein (p.Gln1608Arg). The glutamine residue is weakly conserved and there is a small physicochemical difference between glutamine and arginine.